The following is an entry in ClinVar:

ClinVar aggregate classification (germline): Likely benign (1 of 4 stars; one submission).

Conditions:
Atypical hemolytic-uremic syndrome. Identifiers: Orphanet 2134, MedGen C2931788, MONDO:0016244.

Submission:

Genomenon, Inc
Classification: Likely benign for Atypical hemolytic-uremic syndrome. Last evaluated: 2026-09-17. Review status: criteria provided, single submitter. Criteria: Genomenon Sequence Variant Interpretation Standards - Updated. Collection method: curation. Allele origin: germline. Affected: yes.
Comment: CD46 c.1127+46T>G is an intronic variant located in intron 12. This variant has been observed in at least one proband affected with atypical hemolytic-uremic syndrome (PMID:29644059). It is absent or not present at a significant frequency in gnomAD. This variant is not predicted to impact splicing. In conclusion, we classify CD46 c.1127+46T>G as a likely benign variant.

Literature cited by the submitters: PubMed 29644059.

NM_172351.3(CD46):c.1082+46T>G

Gene: CD46 (CD46 molecule; plus strand). Cytogenetic location: 1q32.2.
Variant type: single nucleotide variant.
Coding change: c.1082+46T>G on transcript NM_172351.3 (MANE Select); 46 bases into the intron after coding-DNA position 1082, T replaced by G.
Molecular consequence: intron variant.
Genome position (GRCh38, 1-based): chr1:207,785,728, T>G. VCF-style: chr1-207785728-T-G. GRCh37 (hg19) VCF-style: chr1-207959073-T-G.
Other names: c.1127+46T>G (NM_002389.4, NM_172359.3); c.1082+46T>G (NM_153826.4); c.1045+46T>G (NM_172358.3); c.1040+46T>G (NM_172355.3, NM_172356.3); c.1037+46T>G (NM_172352.3, NM_172353.3); c.973+622T>G (NM_172350.3); c.995+46T>G (NM_172357.3, NM_172361.3).
Identifiers: ClinVar variation 4291228 (VCV004291228.2).
Genomic context (GRCh38, chr1:207,785,728, plus strand): 5'-GAGGAAGAAGAAAGGGTAAATTAAAGCATGTTTCTTTTAACTTCTTGGTCCTTCTTATAC[T>G]TAACATGCTTTTGTGCAGCTTCAGTTTGTAATCTGTATTGCATGCTATCTTTTTTTTTTT-3'